The following is an entry in ClinVar:

NM_032520.5(GNPTG):c.664C>G (p.Pro222Ala)

Gene: GNPTG (N-acetylglucosamine-1-phosphate transferase subunit gamma; plus strand). Cytogenetic location: 16p13.3.
Variant type: single nucleotide variant.
Coding change: c.664C>G on transcript NM_032520.5 (MANE Select); coding-DNA position 664, C replaced by G.
Protein change: p.Pro222Ala; replaces proline 222 with alanine.
Molecular consequence: missense variant.
Genome position (GRCh38, 1-based): chr16:1,362,665, C>G. VCF-style: chr16-1362665-C-G. GRCh37 (hg19) VCF-style: chr16-1412666-C-G.
Other names: short protein forms P222A.
Identifiers: ClinVar variation 1422860 (VCV001422860.6), dbSNP rs1182234446, ClinGen allele CA394188489.

ClinVar aggregate classification (germline): Uncertain significance (1 of 4 stars; one submission).

Allele frequency attached by ClinVar (database versions not stated): TOPMed below 0.00001.

Submission:

Labcorp Genetics (formerly Invitae), Labcorp
Classification: Uncertain significance. Last evaluated: 2022-09-06. Review status: criteria provided, single submitter. Criteria: Invitae Variant Classification Sherloc (09022015). Collection method: clinical testing. Allele origin: germline.
Comment: This variant is not present in population databases (gnomAD no frequency). In summary, the available evidence is currently insufficient to determine the role of this variant in disease. Therefore, it has been classified as a Variant of Uncertain Significance. Algorithms developed to predict the effect of missense changes on protein structure and function (SIFT, PolyPhen-2, Align-GVGD) all suggest that this variant is likely to be tolerated. ClinVar contains an entry for this variant (Variation ID: 1422860). This variant has not been reported in the literature in individuals affected with GNPTG-related conditions. This sequence change replaces proline, which is neutral and non-polar, with alanine, which is neutral and non-polar, at codon 222 of the GNPTG protein (p.Pro222Ala).